The following is an entry in ClinVar:

NM_033087.4(ALG2):c.180C>G (p.Phe60Leu)

Gene: ALG2 (ALG2 alpha-1,3/1,6-mannosyltransferase; minus strand). Cytogenetic location: 9q22.33.
Variant type: single nucleotide variant.
Coding change: c.180C>G on transcript NM_033087.4 (MANE Select); coding-DNA position 180, C replaced by G.
Protein change: p.Phe60Leu; replaces phenylalanine 60 with leucine.
Molecular consequence: missense variant. On other transcripts: non-coding transcript variant (1).
Genome position (GRCh38, 1-based): chr9:99,221,715, G>C on the plus strand (C>G on the coding strand, the complement: ALG2 is on the minus strand). VCF-style: chr9-99221715-G-C. GRCh37 (hg19) VCF-style: chr9-101983997-G-C.
Other names: short protein forms F60L.
Identifiers: ClinVar variation 1391306 (VCV001391306.5), dbSNP rs777441526, ClinGen allele CA5156457.

ClinVar aggregate classification (germline): Uncertain significance (1 of 4 stars; one submission).

Conditions:
Congenital disorder of glycosylation, type Ii. Also called: ALG2-congenital disorder of glycosylation; ALG2-CDG; CDG Ii. Identifiers: Orphanet 79326, MedGen C1842836, MONDO:0011933, OMIM 607906.
Congenital myasthenic syndrome 14. Also called: Myasthenic syndrome, congenital, 14, with tubular aggregates. Identifiers: Orphanet 353327, Orphanet 590, MedGen C4015597, MONDO:0014543, OMIM 616228.

Allele frequency attached by ClinVar (database versions not stated): gnomAD exomes below 0.00001; TOPMed 0.00002; gnomAD 0.00002; ExAC 0.00001.

Submission:

Labcorp Genetics (formerly Invitae), Labcorp
Classification: Uncertain significance for Congenital disorder of glycosylation, type Ii; Congenital myasthenic syndrome 14. Last evaluated: 2022-02-25. Review status: criteria provided, single submitter. Criteria: Invitae Variant Classification Sherloc (09022015). Collection method: clinical testing. Allele origin: germline.
Comment: This sequence change replaces phenylalanine, which is neutral and non-polar, with leucine, which is neutral and non-polar, at codon 60 of the ALG2 protein (p.Phe60Leu). This variant is present in population databases (rs777441526, gnomAD 0.003%). This variant has not been reported in the literature in individuals affected with ALG2-related conditions. Algorithms developed to predict the effect of missense changes on protein structure and function are either unavailable or do not agree on the potential impact of this missense change (SIFT: "Deleterious"; PolyPhen-2: "Probably Damaging"; Align-GVGD: "Class C15"). In summary, the available evidence is currently insufficient to determine the role of this variant in disease. Therefore, it has been classified as a Variant of Uncertain Significance.